The following is an entry in ClinVar:

ClinVar aggregate classification (germline): Conflicting classifications of pathogenicity. Review status: criteria provided, conflicting classifications (1 of 4 stars). 2 submissions from 2 submitters: Uncertain significance (1); Likely benign (1). Last evaluated 2025-09-10.

Conditions:
Hereditary cancer-predisposing syndrome. Also called: Neoplastic Syndromes, Hereditary; Hereditary neoplastic syndrome; Tumor predisposition; Hereditary Cancer Syndrome. Identifiers: Orphanet 140162, MedGen C0027672, MeSH D009386, MONDO:0015356.
Multiple endocrine neoplasia type 4. Also called: MULTIPLE ENDOCRINE NEOPLASIA, TYPE IV. Identifiers: Orphanet 276152, MedGen C1970712, MONDO:0012552, OMIM 610755.

Allele frequency attached by ClinVar (database versions not stated): gnomAD exomes below 0.00001 and 0.00001; ExAC 0.00001.

Submissions (2):

Ambry Genetics
Classification: Likely benign for Hereditary cancer-predisposing syndrome. Last evaluated: 2025-09-10. Review status: criteria provided, single submitter. Criteria: Ambry Variant Classification Scheme 2023. Collection method: clinical testing. Allele origin: germline.

Labcorp Genetics (formerly Invitae), Labcorp
Classification: Uncertain significance for Multiple endocrine neoplasia type 4. Last evaluated: 2024-08-06. Review status: criteria provided, single submitter. Criteria: Invitae Variant Classification Sherloc (09022015). Collection method: clinical testing. Allele origin: germline.
Comment: This sequence change replaces alanine, which is neutral and non-polar, with valine, which is neutral and non-polar, at codon 156 of the CDKN1B protein (p.Ala156Val). This variant is present in population databases (rs752642842, gnomAD 0.01%). This variant has not been reported in the literature in individuals affected with CDKN1B-related conditions. ClinVar contains an entry for this variant (Variation ID: 664881). An algorithm developed to predict the effect of missense changes on protein structure and function (PolyPhen-2) suggests that this variant is likely to be tolerated. In summary, the available evidence is currently insufficient to determine the role of this variant in disease. Therefore, it has been classified as a Variant of Uncertain Significance.

NM_004064.5(CDKN1B):c.467C>T (p.Ala156Val)

Gene: CDKN1B (cyclin dependent kinase inhibitor 1B; plus strand). Cytogenetic location: 12p13.1.
Variant type: single nucleotide variant.
Coding change: c.467C>T on transcript NM_004064.5 (MANE Select); coding-DNA position 467, C replaced by T.
Protein change: p.Ala156Val; replaces alanine 156 with valine.
Molecular consequence: missense variant.
Genome position (GRCh38, 1-based): chr12:12,718,306, C>T. VCF-style: chr12-12718306-C-T. GRCh37 (hg19) VCF-style: chr12-12871240-C-T.
Other names: c.467C>T (NM_004064.3); short protein forms A156V.
Identifiers: ClinVar variation 664881 (VCV000664881.8), dbSNP rs752642842, ClinGen allele CA6457506.